The following is an entry in ClinVar:

ClinVar aggregate classification (germline): Uncertain significance (1 of 4 stars; one submission).

gnomAD v4.1: 1 of 1,614,044 alleles (0.000062%); highest among the groups gnomAD compares: Non-Finnish European, 0.000085%; no homozygotes.

Submission:

Labcorp Genetics (formerly Invitae), Labcorp
Classification: Uncertain significance. Last evaluated: 2022-04-14. Review status: criteria provided, single submitter. Criteria: Invitae Variant Classification Sherloc (09022015). Collection method: clinical testing. Allele origin: germline.
Comment: This sequence change replaces isoleucine, which is neutral and non-polar, with threonine, which is neutral and polar, at codon 108 of the KANK1 protein (p.Ile108Thr). This variant is not present in population databases (gnomAD no frequency). This variant has not been reported in the literature in individuals affected with KANK1-related conditions. Algorithms developed to predict the effect of missense changes on protein structure and function output the following: SIFT: "Deleterious"; PolyPhen-2: "Benign"; Align-GVGD: "Class C0". The threonine amino acid residue is found in multiple mammalian species, which suggests that this missense change does not adversely affect protein function. In summary, the available evidence is currently insufficient to determine the role of this variant in disease. Therefore, it has been classified as a Variant of Uncertain Significance.

NM_015158.5(KANK1):c.323T>C (p.Ile108Thr)

Gene: KANK1 (KN motif and ankyrin repeat domains 1; plus strand). Cytogenetic location: 9p24.3.
Variant type: single nucleotide variant.
Coding change: c.323T>C on transcript NM_015158.5 (MANE Select); coding-DNA position 323, T replaced by C.
Protein change: p.Ile108Thr; replaces isoleucine 108 with threonine.
Molecular consequence: missense variant. On other transcripts: 5 prime UTR variant (12), non-coding transcript variant (1).
Genome position (GRCh38, 1-based): chr9:711,089, T>C. VCF-style: chr9-711089-T-C. GRCh37 (hg19) VCF-style: chr9-711089-T-C.
Other names: c.323T>C, p.Ile108Thr (NM_001256876.3, NM_001256877.3, NM_001354331.2 and 2 more transcripts); c.-152T>C (NM_001354333.2, NM_001354335.2, NM_001354336.2 and 9 more transcripts); short protein forms I108T.
Identifiers: ClinVar variation 2124965 (VCV002124965.4), dbSNP rs141194618, ClinGen allele CA372745934.